The following is an entry in ClinVar:

ClinVar aggregate classification (germline): Uncertain significance (1 of 4 stars; one submission).

Conditions:
Autosomal dominant epilepsy with auditory features. Identifiers: Orphanet 101046, MedGen C1838062, MONDO:0010898.

Allele frequency attached by ClinVar (database versions not stated): gnomAD exomes below 0.00001; gnomAD 0.00001.
gnomAD v4.1: 3 of 1,613,926 alleles (0.00019%); highest among the groups gnomAD compares: Non-Finnish European, 0.00025%; no homozygotes.

Submission:

Labcorp Genetics (formerly Invitae), Labcorp
Classification: Uncertain significance for Autosomal dominant epilepsy with auditory features. Last evaluated: 2023-08-20. Review status: criteria provided, single submitter. Criteria: Invitae Variant Classification Sherloc (09022015). Collection method: clinical testing. Allele origin: germline.
Comment: ClinVar contains an entry for this variant (Variation ID: 1502452). An algorithm developed to predict the effect of missense changes on protein structure and function (PolyPhen-2) suggests that this variant is likely to be disruptive. In summary, the available evidence is currently insufficient to determine the role of this variant in disease. Therefore, it has been classified as a Variant of Uncertain Significance. This variant has not been reported in the literature in individuals affected with LGI1-related conditions. This sequence change replaces aspartic acid, which is acidic and polar, with asparagine, which is neutral and polar, at codon 169 of the LGI1 protein (p.Asp169Asn). This variant is present in population databases (no rsID available, gnomAD 0.007%).

NM_005097.4(LGI1):c.505G>A (p.Asp169Asn)

Gene: LGI1 (leucine rich glioma inactivated 1; plus strand). Cytogenetic location: 10q23.33.
Variant type: single nucleotide variant.
Coding change: c.505G>A on transcript NM_005097.4 (MANE Select); coding-DNA position 505, G replaced by A.
Protein change: p.Asp169Asn; replaces aspartic acid 169 with asparagine.
Molecular consequence: missense variant. On other transcripts: non-coding transcript variant (1).
Genome position (GRCh38, 1-based): chr10:93,792,744, G>A. VCF-style: chr10-93792744-G-A. GRCh37 (hg19) VCF-style: chr10-95552501-G-A.
Other names: c.505G>A, p.Asp169Asn (NM_001308275.2); c.361G>A, p.Asp121Asn (NM_001308276.2); short protein forms D169N, D121N.
Identifiers: ClinVar variation 1502452 (VCV001502452.8), dbSNP rs1207210364, ClinGen allele CA377623189.